The following is an entry in ClinVar:

ClinVar aggregate classification (germline): Benign (1 of 4 stars; one submission).

gnomAD v4.1: 81 of 780,778 alleles (0.01%); highest among the groups gnomAD compares: Non-Finnish European, 0.017%; no homozygotes.

Submission:

Women's Health and Genetics/Laboratory Corporation of America, LabCorp
Classification: Benign. Last evaluated: 2026-04-01. Review status: criteria provided, single submitter. Criteria: LabCorp Variant Classification Summary - May 2015. Collection method: clinical testing. Allele origin: germline.
Comment: Variant summary: C1R c.2+13G>A alters a nucleotide located at a position not widely known to affect splicing. Several computational tools predict a significant impact on normal splicing: Two predict the variant creates a 5' donor site. Two predict the variant strengthens a 5' donor site. However, these predictions have yet to be confirmed by functional studies. The variant allele was found at a frequency of 4.4e-05 in 249130 control chromosomes. The observed variant frequency exceeds the estimated maximal expected allele frequency for disease-causing variants in C1R. To our knowledge, no occurrence of c.2+13G>A in individuals affected with C1R-related conditions and no experimental evidence demonstrating its impact on protein function have been reported. No submitters have cited clinical-significance assessments for this variant to ClinVar. Based on the evidence outlined above, the variant was classified as benign.

NM_001733.7(C1R):c.2+13G>A

Gene: C1R (complement C1r; minus strand). Cytogenetic location: 12p13.31.
Variant type: single nucleotide variant.
Coding change: c.2+13G>A on transcript NM_001733.7 (MANE Select); 13 bases into the intron after coding-DNA position 2, G replaced by A.
Molecular consequence: intron variant.
Genome position (GRCh38, 1-based): chr12:7,092,374, C>T on the plus strand (G>A on the coding strand, the complement: C1R is on the minus strand). VCF-style: chr12-7092374-C-T. GRCh37 (hg19) VCF-style: chr12-7244970-C-T.
Identifiers: ClinVar variation 4848994 (VCV004848994.1).